The following is an entry in ClinVar:

NM_001267550.2(TTN):c.43384C>A (p.His14462Asn)

Gene: TTN (titin; minus strand). Cytogenetic location: 2q31.2.
Variant type: single nucleotide variant.
Coding change: c.43384C>A on transcript NM_001267550.2 (MANE Select); coding-DNA position 43384, C replaced by A.
Protein change: p.His14462Asn; replaces histidine 14462 with asparagine.
Molecular consequence: missense variant.
Genome position (GRCh38, 1-based): chr2:178,632,622, G>T on the plus strand (C>A on the coding strand, the complement: TTN is on the minus strand). VCF-style: chr2-178632622-G-T. GRCh37 (hg19) VCF-style: chr2-179497349-G-T.
Other names: p.His12821Asn; c.38461C>A, p.His12821Asn (NM_001256850.1); c.16189C>A, p.His5397Asn (NM_003319.4); c.35680C>A, p.His11894Asn (NM_133378.4); c.16564C>A, p.His5522Asn (NM_133432.3); c.16765C>A, p.His5589Asn (NM_133437.4); short protein forms H11894N, H12821N, H14462N, H5397N, H5522N, H5589N.
Identifiers: ClinVar variation 1312047 (VCV001312047.3), dbSNP rs2154221986, ClinGen allele CA349650938.

ClinVar aggregate classification (germline): Uncertain significance. Review status: criteria provided, multiple submitters, no conflicts (2 of 4 stars). 2 submissions from 2 submitters: Uncertain significance (2). Last evaluated 2023-03-23.

Submissions (2):

Mayo Clinic Laboratories, Mayo Clinic
Classification: Uncertain significance. Last evaluated: 2023-03-23. Review status: criteria provided, single submitter. Criteria: ACMG Guidelines, 2015. Collection method: clinical testing. Allele origin: germline. Observed: 2 variant alleles.
Comment: PM2_supporting

GeneDx
Classification: Uncertain significance. Last evaluated: 2019-09-03. Review status: criteria provided, single submitter. Criteria: GeneDx Variant Classification Process June 2021. Collection method: clinical testing. Allele origin: germline. Affected: yes.
Comment: Has not been previously published as pathogenic or benign to our knowledge; Not observed in large population cohorts (Lek et al., 2016); Missense variant in a gene in which most reported pathogenic variants are truncating/loss-of-function